The following is an entry in ClinVar:

NM_001040142.2(SCN2A):c.901G>T (p.Asp301Tyr)

Gene: SCN2A (sodium voltage-gated channel alpha subunit 2; plus strand). Cytogenetic location: 2q24.3.
Variant type: single nucleotide variant.
Coding change: c.901G>T on transcript NM_001040142.2 (MANE Select); coding-DNA position 901, G replaced by T.
Protein change: p.Asp301Tyr; replaces aspartic acid 301 with tyrosine.
Molecular consequence: missense variant.
Genome position (GRCh38, 1-based): chr2:165,310,526, G>T. VCF-style: chr2-165310526-G-T. GRCh37 (hg19) VCF-style: chr2-166167036-G-T.
Other names: c.901G>T, p.Asp301Tyr (NM_001040143.2, NM_001371246.1, NM_001371247.1 and 1 more transcripts); short protein forms D301Y.
Identifiers: ClinVar variation 3347261 (VCV003347261.2).
Genomic context (GRCh38, chr2:165,310,526, plus strand): 5'-TGGCCTCCAGATAATTCTTCCTTTGAAATAAATATCACTTCCTTCTTTAACAATTCATTG[G>T]ATGGGAATGGTACTACTTTCAATAGGACAGTGAGCATATTTAACTGGGATGAATATATTG-3'
Protein context (NP_001035232.1, residues 291-311): NITSFFNNSL[Asp301Tyr]GNGTTFNRTV

ClinVar aggregate classification (germline): Uncertain significance. Review status: criteria provided, single submitter (1 of 4 stars). 2 submissions from 2 submitters: Uncertain significance (1). 1 of the submissions does not count toward it. Last evaluated 2025-03-23.

Conditions:
Developmental and epileptic encephalopathy, 11 (DEE11). Also called: Early infantile epileptic encephalopathy 11. Identifiers: Orphanet 1934, MedGen C3150987, MONDO:0013388, OMIM 613721.
Seizures, benign familial infantile, 3 (BFIS3). Also called: CONVULSIONS, BENIGN FAMILIAL INFANTILE, 3; Familial neonatal seizures. Identifiers: Orphanet 140927, Orphanet 306, MedGen C1843140, MONDO:0011904, OMIM 607745.
SCN2A-related disorder. Also called: SCN2A-related condition; SCN2A-related disorders. Identifiers: MedGen CN382226, MONDO:1060245.

gnomAD v4.1: 1 of 1,613,070 alleles (0.000062%); highest among the groups gnomAD compares: Middle Eastern, 0.017%; no homozygotes.

Submissions (2):

Labcorp Genetics (formerly Invitae), Labcorp
Classification: Uncertain significance for Seizures, benign familial infantile, 3; Developmental and epileptic encephalopathy, 11. Last evaluated: 2025-03-23. Review status: criteria provided, single submitter. Criteria: Invitae Variant Classification Sherloc (09022015). Collection method: clinical testing. Allele origin: germline.
Comment: This sequence change replaces aspartic acid, which is acidic and polar, with tyrosine, which is neutral and polar, at codon 301 of the SCN2A protein (p.Asp301Tyr). This variant is not present in population databases (gnomAD no frequency). This variant has not been reported in the literature in individuals affected with SCN2A-related conditions. ClinVar contains an entry for this variant (Variation ID: 3347261). Invitae Evidence Modeling of protein sequence and biophysical properties (such as structural, functional, and spatial information, amino acid conservation, physicochemical variation, residue mobility, and thermodynamic stability) has been performed for this missense variant. However, the output from this modeling did not meet the statistical confidence thresholds required to predict the impact of this variant on SCN2A protein function. In summary, the available evidence is currently insufficient to determine the role of this variant in disease. Therefore, it has been classified as a Variant of Uncertain Significance.

PreventionGenetics, part of Exact Sciences
Classification: Uncertain significance for SCN2A-related condition. Last evaluated: 2024-06-03. Review status: no assertion criteria provided. Collection method: clinical testing. Allele origin: germline. Not counted in ClinVar's aggregate classification.
Comment: The SCN2A c.901G>T variant is predicted to result in the amino acid substitution p.Asp301Tyr. To our knowledge, this variant has not been reported in the literature or in a large population database, indicating this variant is rare. At this time, the clinical significance of this variant is uncertain due to the absence of conclusive functional and genetic evidence.